The following is an entry in ClinVar:

NM_006267.5(RANBP2):c.2055+6T>C

Gene: RANBP2 (RAN binding protein 2; plus strand). Cytogenetic location: 2q13.
Variant type: single nucleotide variant.
Coding change: c.2055+6T>C on transcript NM_006267.5 (MANE Select); 6 bases into the intron after coding-DNA position 2055, T replaced by C.
Molecular consequence: intron variant.
Genome position (GRCh38, 1-based): chr2:108,753,569, T>C. VCF-style: chr2-108753569-T-C. GRCh37 (hg19) VCF-style: chr2-109370025-T-C.
Identifiers: ClinVar variation 1406631 (VCV001406631.8), dbSNP rs1676074087, ClinGen allele CA1034843712.

ClinVar aggregate classification (germline): Uncertain significance (1 of 4 stars; one submission).

Conditions:
Familial acute necrotizing encephalopathy (IIAE3). Also called: ENCEPHALOPATHY, ACUTE, INFECTION-INDUCED, SUSCEPTIBILITY TO, 3; Susceptibility to Acute Necrotizing Encephalopathy 1. Identifiers: Orphanet 88619, MedGen C2675556, MONDO:0011953, OMIM 608033.

Allele frequency attached by ClinVar (database versions not stated): gnomAD exomes below 0.00001; gnomAD 0.00001.
gnomAD v4.1: 5 of 1,609,850 alleles (0.00031%); highest among the groups gnomAD compares: East Asian, 0.0022%; no homozygotes.

Submission:

Labcorp Genetics (formerly Invitae), Labcorp
Classification: Uncertain significance for Familial acute necrotizing encephalopathy. Last evaluated: 2025-09-13. Review status: criteria provided, single submitter. Criteria: Invitae Variant Classification Sherloc (09022015). Collection method: clinical testing. Allele origin: germline.
Comment: This sequence change falls in intron 14 of the RANBP2 gene. It does not directly change the encoded amino acid sequence of the RANBP2 protein. It affects a nucleotide within the consensus splice site. This variant is not present in population databases (gnomAD no frequency). This variant has not been reported in the literature in individuals affected with RANBP2-related conditions. ClinVar contains an entry for this variant (Variation ID: 1406631). Variants that disrupt the consensus splice site are a relatively common cause of aberrant splicing (PMID: 17576681, 9536098). Algorithms developed to predict the effect of sequence changes on RNA splicing suggest that this variant is not likely to affect RNA splicing. In summary, the available evidence is currently insufficient to determine the role of this variant in disease. Therefore, it has been classified as a Variant of Uncertain Significance.

Literature cited by the submitters: PubMed 17576681; PubMed 9536098.